The following is an entry in ClinVar:

NM_031935.3(HMCN1):c.3073A>G (p.Ser1025Gly)

Gene: HMCN1 (hemicentin 1; plus strand). Cytogenetic location: 1q31.1.
Variant type: single nucleotide variant.
Coding change: c.3073A>G on transcript NM_031935.3 (MANE Select); coding-DNA position 3073, A replaced by G.
Protein change: p.Ser1025Gly; replaces serine 1025 with glycine.
Molecular consequence: missense variant.
Genome position (GRCh38, 1-based): chr1:185,989,512, A>G. VCF-style: chr1-185989512-A-G. GRCh37 (hg19) VCF-style: chr1-185958644-A-G.
Other names: short protein forms S1025G.
Identifiers: ClinVar variation 3615730 (VCV003615730.2).

ClinVar aggregate classification (germline): Uncertain significance (1 of 4 stars; one submission).

gnomAD v4.1: 5 of 1,613,946 alleles (0.00031%); highest among the groups gnomAD compares: Non-Finnish European, 0.00042%; no homozygotes.

Submission:

Labcorp Genetics (formerly Invitae), Labcorp
Classification: Uncertain significance. Last evaluated: 2024-06-20. Review status: criteria provided, single submitter. Criteria: Invitae Variant Classification Sherloc (09022015). Collection method: clinical testing. Allele origin: germline.
Comment: This sequence change replaces serine, which is neutral and polar, with glycine, which is neutral and non-polar, at codon 1025 of the HMCN1 protein (p.Ser1025Gly). This variant is present in population databases (no rsID available, gnomAD 0.007%). This variant has not been reported in the literature in individuals affected with HMCN1-related conditions. Algorithms developed to predict the effect of missense changes on protein structure and function output the following: SIFT: "Not Available"; PolyPhen-2: "Benign"; Align-GVGD: "Not Available". The glycine amino acid residue is found in multiple mammalian species, which suggests that this missense change does not adversely affect protein function. In summary, the available evidence is currently insufficient to determine the role of this variant in disease. Therefore, it has been classified as a Variant of Uncertain Significance.